The following is an entry in ClinVar:

ClinVar aggregate classification (germline): Benign (1 of 4 stars; one submission).

Allele frequency attached by ClinVar (database versions not stated): 1000 Genomes Project 0.02796; 1000 Genomes Project 30x 0.02811; TOPMed 0.02835.
gnomAD v4.1: 5,556 of 678,378 alleles (0.82%); highest among the groups gnomAD compares: African/African-American, 8.9%; 247 homozygotes.

Submission:

GeneDx
Classification: Benign. Last evaluated: 2018-06-18. Review status: criteria provided, single submitter. Criteria: GeneDx Variant Classification (06012015). Collection method: clinical testing. Allele origin: germline. Affected: yes.
Comment: This variant is considered likely benign or benign based on one or more of the following criteria: it is a conservative change, it occurs at a poorly conserved position in the protein, it is predicted to be benign by multiple in silico algorithms, and/or has population frequency not consistent with disease.

NM_000051.4(ATM):c.4612-122G>T

Gene: ATM (ATM serine/threonine kinase; plus strand). Cytogenetic location: 11q22.3.
Variant type: single nucleotide variant.
Coding change: c.4612-122G>T on transcript NM_000051.4 (MANE Select); 122 bases into the intron before coding-DNA position 4612, G replaced by T.
Molecular consequence: intron variant.
Genome position (GRCh38, 1-based): chr11:108,293,191, G>T. VCF-style: chr11-108293191-G-T. GRCh37 (hg19) VCF-style: chr11-108163918-G-T.
Other names: c.4612-122G>T (NM_001351834.2).
Identifiers: ClinVar variation 676649 (VCV000676649.1), dbSNP rs4988009, ClinGen allele CA228378967.